The following is an entry in ClinVar:

ClinVar aggregate classification (germline): Likely benign. Review status: criteria provided, multiple submitters, no conflicts (2 of 4 stars). 3 submissions from 3 submitters: Likely benign (3). Last evaluated 2026-04-13.

Conditions:
DICER1-related tumor predisposition. Also called: DICER1-related pleuropulmonary blastoma cancer predisposition syndrome; DICER1 syndrome. Identifiers: Orphanet 284343, MedGen C3839822, MONDO:0100216.

Allele frequency attached by ClinVar (database versions not stated): gnomAD exomes below 0.00001 and 0.00001; ExAC 0.00001; gnomAD 0.00003; TOPMed 0.00003.

Submissions (3):

Myriad Genetics, Inc.
Classification: Likely benign for DICER1-related tumor predisposition. Last evaluated: 2026-04-13. Review status: criteria provided, single submitter. Criteria: Myriad Autosomal Dominant, Autosomal Recessive and X-Linked Classification Criteria (2023). Collection method: clinical testing. Allele origin: unknown.
Comment: This variant is considered likely benign. This variant is intronic and is not expected to impact mRNA splicing.

Labcorp Genetics (formerly Invitae), Labcorp
Classification: Likely benign for DICER1-related tumor predisposition. Last evaluated: 2025-11-22. Review status: criteria provided, single submitter. Criteria: Invitae Variant Classification Sherloc (09022015). Collection method: clinical testing. Allele origin: germline.

Blueprint Genetics
Classification: Likely benign. Last evaluated: 2023-12-27. Review status: criteria provided, single submitter. Criteria: ACMG Guidelines, 2015. Collection method: clinical testing. Allele origin: germline.

NM_177438.3(DICER1):c.2988-12G>A

Gene: DICER1 (dicer 1, ribonuclease III; minus strand). Cytogenetic location: 14q32.13.
Variant type: single nucleotide variant.
Coding change: c.2988-12G>A on transcript NM_177438.3 (MANE Select); 12 bases into the intron before coding-DNA position 2988, G replaced by A.
Molecular consequence: intron variant.
Genome position (GRCh38, 1-based): chr14:95,105,795, C>T on the plus strand (G>A on the coding strand, the complement: DICER1 is on the minus strand). VCF-style: chr14-95105795-C-T. GRCh37 (hg19) VCF-style: chr14-95572132-C-T.
Other names: c.2988-12G>A (NM_001291628.2, NM_030621.4, NM_001271282.3 and 1 more transcripts).
Identifiers: ClinVar variation 1606521 (VCV001606521.11), dbSNP rs754038030, ClinGen allele CA7331132.